The following is an entry in ClinVar:

ClinVar aggregate classification (germline): Pathogenic (1 of 4 stars; one submission).

Conditions:
Neurofibromatosis, type 1 (NF1). Also called: VON RECKLINGHAUSEN DISEASE; Peripheral type neurofibromatosis; Neurofibromatosis, type I; NEUROFIBROMATOSIS, TYPE I, SOMATIC. Identifiers: Orphanet 636, MedGen C0027831, MONDO:0018975, OMIM 162200. Disease mechanism: loss of function.

Submission:

Labcorp Genetics (formerly Invitae), Labcorp
Classification: Pathogenic for Neurofibromatosis, type 1. Last evaluated: 2020-11-28. Review status: criteria provided, single submitter. Criteria: Invitae Variant Classification Sherloc (09022015). Collection method: clinical testing. Allele origin: germline.
Comment: Retrotransposon insertions including LINE1 (L1), Alu, and SVA (SINE-VNTR-Alu) have been reported to be disease-causing through disruption of either a coding region or splice site (PMID: 19763152, 20307669, 22406018) and loss-of-function variants in NF1 are known to be pathogenic (PMID: 10712197, 23913538). For these reasons, this variant has been classified as Pathogenic. This sequence change inserts a large fragment of DNA, likely a transposable element, in exon 31 of the NF1 gene (c.4229_4230ins?), causing a frameshift at codon 1411 (p.Pro1410fs). The exact size and sequence of the insertion cannot be determined by the current assay. However, the insertion is expected to result in an absent or disrupted protein product. This variant is not present in population databases (ExAC no frequency). This variant has not been reported in the literature in individuals with NF1-related conditions.

Literature cited by the submitters: PubMed 19763152; PubMed 20307669; PubMed 22406018; PubMed 10712197; PubMed 23913538.

NM_001042492.3(NF1):c.4292_4293insGGCCGGGCGCAGTGGCTCACGCCTGTAATCCCAGCACTTTGGGAGGCCGAGGCGGGCGGATCACGAGGTCAGGAGATCGAGACCATCCTGACTAAAACNNNNNNNNNNAAAAAAAAAAAAAAAAAAAAAAAAAGCC (p.Pro1431_Pro1432insAlaGlyArgSerGlySerArgLeuTer)

Gene: NF1 (neurofibromin 1; plus strand). Cytogenetic location: 17q11.2.
Variant type: Microsatellite.
Coding change: c.4292_4293insGGCCGGGCGCAGTGGCTCACGCCTGTAATCCCAGCACTTTGGGAGGCCGAGGCGGGCGGATCACGAGGTCAGGAGATCGAGACCATCCTGACTAAAACNNNNNNNNNNAAAAAAAAAAAAAAAAAAAAAAAAAGCC on transcript NM_001042492.3 (MANE Select); coding-DNA positions 4292 to 4293, GGCCGGGCGCAGTGGCTCACGCCTGTAATCCCAGCACTTTGGGAGGCCGAGGCGGGCGGATCACGAGGTCAGGAGATCGAGACCATCCTGACTAAAACNNNNNNNNNNAAAAAAAAAAAAAAAAAAAAAAAAAGCC inserted.
Protein change: p.Pro1431_Pro1432insAlaGlyArgSerGlySerArgLeuTer.
Molecular consequence: nonsense, inframe insertion. On other transcripts: inframe indel (1).
Genome position: GRCh38: chr17:31,258,455-31,258,462. GRCh37 (hg19): chr17:29,585,473-29,585,480.
Other names: c.4222_4229A[5][2][1], p.Pro1412del (NM_000267.4); short protein forms P1433del, P1412del.
Identifiers: ClinVar variation 1350702 (VCV001350702.6).